The following is an entry in ClinVar:

NM_001853.4(COL9A3):c.1402-2A>G

Genes: COL9A3 (collagen type IX alpha 3 chain; plus strand), LOC126863084 (MED14-independent group 3 enhancer GRCh37_chr20:61467141-61468340; plus strand). Cytogenetic location: 20q13.33.
Variant type: single nucleotide variant.
Coding change: c.1402-2A>G on transcript NM_001853.4 (MANE Select); the canonical splice acceptor site of the intron before coding-DNA position 1402, A replaced by G.
Molecular consequence: splice acceptor variant.
Genome position (GRCh38, 1-based): chr20:62,836,185, A>G. VCF-style: chr20-62836185-A-G. GRCh37 (hg19) VCF-style: chr20-61467537-A-G.
Identifiers: ClinVar variation 1992809 (VCV001992809.6), dbSNP rs572364449, ClinGen allele CA9949970.

ClinVar aggregate classification (germline): Conflicting classifications of pathogenicity. Review status: criteria provided, conflicting classifications (1 of 4 stars). 3 submissions from 3 submitters: Likely pathogenic (1); Uncertain significance (2). Last evaluated 2026-08-06.

Conditions:
Epiphyseal dysplasia, multiple, 3 (EDM3). Also called: Epiphyseal dysplasia, multiple, 3, with or without myopathy; COL9A3-Related Multiple Epiphyseal Dysplasia. Identifiers: MedGen C1832998, MONDO:0010964, OMIM 600969.

Allele frequency attached by ClinVar (database versions not stated): 1000 Genomes Project 0.00020; gnomAD exomes below 0.00001; ExAC 0.00001; gnomAD 0.00001; 1000 Genomes Project 30x 0.00016.
gnomAD v4.1: 2 of 1,613,184 alleles (0.00012%); highest among the groups gnomAD compares: East Asian, 0.0022%; no homozygotes.

Submissions (3):

OLLIN Analises Genomicas, OLLIN
Classification: Likely pathogenic for Epiphyseal dysplasia, multiple, 3. Last evaluated: 2026-08-06. Review status: criteria provided, single submitter. Criteria: ACMG Guidelines 2015 PMID 25741868. Collection method: clinical testing. Allele origin: germline.
Comment: This variant, located at the canonical splicing site (splice acceptor), has been reported in ClinVar (accession VCV001992809.5) and in gnomAD with an allele frequency of 0.00012%. However, to our knowledge, it has not been reported in the scientific literature. This variant is predicted to disrupt a canonical splice site, potentially leading to exon skipping, mRNA degradation via nonsense-mediated decay (NMD), or production of a truncated protein. According to the currently available evidence, this variant has been classified as likely pathogenic (PVS1, PM2_P).

Mendelics
Classification: Uncertain significance for Epiphyseal dysplasia, multiple, 3. Last evaluated: 2026-03-05. Review status: criteria provided, single submitter. Criteria: ACMG Guidelines, 2015. Collection method: clinical testing. Allele origin: unknown.
Comment: The available evidence is insufficient to conclusively determine the role of this variant. Therefore, it is classified as a Variant of Uncertain Significance.

Labcorp Genetics (formerly Invitae), Labcorp
Classification: Uncertain significance. Last evaluated: 2025-02-17. Review status: criteria provided, single submitter. Criteria: Invitae Variant Classification Sherloc (09022015). Collection method: clinical testing. Allele origin: germline.
Comment: This sequence change affects an acceptor splice site in intron 27 of the COL9A3 gene. Variants that disrupt the donor or acceptor splice site typically lead to a loss of protein function (PMID: 16199547), however it is unknown whether splice variants in this region will result in a loss of function. This variant is present in population databases (rs572364449, gnomAD 0.007%). This variant has not been reported in the literature in individuals affected with COL9A3-related conditions. ClinVar contains an entry for this variant (Variation ID: 1992809). Algorithms developed to predict the effect of sequence changes on RNA splicing suggest that this variant may disrupt the consensus splice site. In summary, the available evidence is currently insufficient to determine the role of this variant in disease. Therefore, it has been classified as a Variant of Uncertain Significance.

Literature cited by the submitters: PubMed 16199547 (cited by Labcorp Genetics (formerly Invitae), Labcorp).